The following is an entry in ClinVar:

ClinVar aggregate classification (germline): Uncertain significance (1 of 4 stars; one submission).

Submission:

GeneDx
Classification: Uncertain significance. Last evaluated: 2024-02-18. Review status: criteria provided, single submitter. Criteria: GeneDx Variant Classification Process June 2021. Collection method: clinical testing. Allele origin: germline. Affected: yes.
Comment: Not observed at significant frequency in large population cohorts (gnomAD); In silico analysis supports that this missense variant does not alter protein structure/function; Has not been previously published as pathogenic or benign to our knowledge

NM_014727.3(KMT2B):c.298G>A (p.Gly100Ser)

Gene: KMT2B (lysine methyltransferase 2B; plus strand). Cytogenetic location: 19q13.12.
Variant type: single nucleotide variant.
Coding change: c.298G>A on transcript NM_014727.3 (MANE Select); coding-DNA position 298, G replaced by A.
Protein change: p.Gly100Ser; replaces glycine 100 with serine.
Molecular consequence: missense variant.
Genome position (GRCh38, 1-based): chr19:35,718,316, G>A. VCF-style: chr19-35718316-G-A. GRCh37 (hg19) VCF-style: chr19-36209218-G-A.
Other names: short protein forms G100S.
Identifiers: ClinVar variation 3369443 (VCV003369443.1).